The following is an entry in ClinVar:

NM_001371928.1(AHDC1):c.2633C>T (p.Ala878Val)

Gene: AHDC1 (AT-hook DNA binding motif containing 1; minus strand). Cytogenetic location: 1p36.11.
Variant type: single nucleotide variant.
Coding change: c.2633C>T on transcript NM_001371928.1 (MANE Select); coding-DNA position 2633, C replaced by T.
Protein change: p.Ala878Val; replaces alanine 878 with valine.
Molecular consequence: missense variant.
Genome position (GRCh38, 1-based): chr1:27,549,483, G>A on the plus strand (C>T on the coding strand, the complement: AHDC1 is on the minus strand). VCF-style: chr1-27549483-G-A. GRCh37 (hg19) VCF-style: chr1-27875994-G-A.
Other names: c.2633C>T, p.Ala878Val (NM_001029882.3); short protein forms A878V.
Identifiers: ClinVar variation 4775125 (VCV004775125.1).

ClinVar aggregate classification (germline): Uncertain significance (1 of 4 stars; one submission).

Submission:

Labcorp Genetics (formerly Invitae), Labcorp
Classification: Uncertain significance. Last evaluated: 2025-04-30. Review status: criteria provided, single submitter. Criteria: Invitae Variant Classification Sherloc (09022015). Collection method: clinical testing. Allele origin: germline.
Comment: This sequence change replaces alanine, which is neutral and non-polar, with valine, which is neutral and non-polar, at codon 878 of the AHDC1 protein (p.Ala878Val). This variant is not present in population databases (gnomAD no frequency). This variant has not been reported in the literature in individuals affected with AHDC1-related conditions. An algorithm developed to predict the effect of missense changes on protein structure and function (PolyPhen-2) suggests that this variant is likely to be disruptive. In summary, the available evidence is currently insufficient to determine the role of this variant in disease. Therefore, it has been classified as a Variant of Uncertain Significance.